The following is an entry in ClinVar:

NM_020207.7(ERCC6L2):c.1379C>T (p.Ala460Val)

Gene: ERCC6L2 (ERCC excision repair 6 like 2; plus strand). Cytogenetic location: 9q22.32.
Variant type: single nucleotide variant.
Coding change: c.1379C>T on transcript NM_020207.7 (MANE Select); coding-DNA position 1379, C replaced by T.
Protein change: p.Ala460Val; replaces alanine 460 with valine.
Molecular consequence: missense variant. On other transcripts: non-coding transcript variant (1).
Genome position (GRCh38, 1-based): chr9:95,922,384, C>T. VCF-style: chr9-95922384-C-T. GRCh37 (hg19) VCF-style: chr9-98684666-C-T.
Other names: c.1379C>T, p.Ala460Val (NM_001010895.4, NM_001375291.1, NM_001375292.1 and 2 more transcripts); short protein forms A460V.
Identifiers: ClinVar variation 1525315 (VCV001525315.6), dbSNP rs201546231, ClinGen allele CA5139543.
Genomic context (GRCh38, chr9:95,922,384, plus strand): 5'-CAGTGAAAACCTTGTATCTCAGTTACCTTACAGTCCTTCAGAAGGTAGCTAACCATGTCG[C>T]GCTACTGCAAGCTGCTAGTACTTCCAAACAACAGGTTTGGTTAGCATTTTACATTTCTTT-3'
Protein context (NP_064592.3, residues 450-470): TVLQKVANHV[Ala460Val]LLQAASTSKQ

ClinVar aggregate classification (germline): Uncertain significance. Review status: criteria provided, multiple submitters, no conflicts (2 of 4 stars). 2 submissions from 2 submitters: Uncertain significance (2). Last evaluated 2024-12-24.

Allele frequency attached by ClinVar (database versions not stated): ESP Exome Variant Server 0.00008; gnomAD 0.00009 and 0.00011; TOPMed 0.00010; gnomAD exomes 0.00012 and 0.00016; ExAC 0.00015; 1000 Genomes Project 30x 0.00031; 1000 Genomes Project 0.00040.
gnomAD v4.1: 193 of 1,612,822 alleles (0.012%); highest among the groups gnomAD compares: East Asian, 0.078%; no homozygotes.

Submissions (2):

Labcorp Genetics (formerly Invitae), Labcorp
Classification: Uncertain significance. Last evaluated: 2024-12-24. Review status: criteria provided, single submitter. Criteria: Invitae Variant Classification Sherloc (09022015). Collection method: clinical testing. Allele origin: germline.
Comment: This sequence change replaces alanine, which is neutral and non-polar, with valine, which is neutral and non-polar, at codon 471 of the ERCC6L2 protein (p.Ala471Val). This variant is present in population databases (rs201546231, gnomAD 0.07%). This variant has not been reported in the literature in individuals affected with ERCC6L2-related conditions. ClinVar contains an entry for this variant (Variation ID: 1525315). Experimental studies and prediction algorithms are not available or were not evaluated, and the functional significance of this variant is currently unknown. In summary, the available evidence is currently insufficient to determine the role of this variant in disease. Therefore, it has been classified as a Variant of Uncertain Significance.

Blueprint Genetics
Classification: Uncertain significance. Last evaluated: 2024-02-28. Review status: criteria provided, single submitter. Criteria: ACMG Guidelines, 2015. Collection method: clinical testing. Allele origin: germline.